The following is an entry in ClinVar:

ClinVar aggregate classification (germline): Pathogenic (1 of 4 stars; one submission).

Submission:

GeneDx
Classification: Pathogenic. Last evaluated: 2017-06-29. Review status: criteria provided, single submitter. Criteria: GeneDx Variant Classification (06012015). Collection method: clinical testing. Allele origin: germline. Affected: yes.
Comment: The c.198dupG variant in the SOX2 gene has not been reported previously as a pathogenic variant nor as a benign variant, to our knowledge. The c.198dupG variant causes a frameshift starting with codon Histidine 67, changes this amino acid to an Alanine residue, and creates a premature Stop codon at position 29 of the new reading frame, denoted p.His67AlafsX29. This variant is predicted to cause loss of normal protein function through protein truncation. The c.198dupG variant is not observed in large population cohorts (Lek et al., 2016; 1000 Genomes Consortium et al., 2015; Exome Variant Server). We interpret c.198dupG as a pathogenic variant.

NM_003106.4(SOX2):c.198dup (p.His67fs)

Genes: SOX2 (SRY-box transcription factor 2; plus strand), SOX2-OT (SOX2 overlapping transcript; plus strand), LOC108281177 (SOX2 5' regulatory region; plus strand). Cytogenetic location: 3q26.33.
Variant type: Duplication.
Coding change: c.198dup on transcript NM_003106.4 (MANE Select); coding-DNA position 198, one base duplicated (G; older notation c.198dupG).
Protein change: p.His67fs; shifts the reading frame from histidine 67.
Molecular consequence: frameshift variant.
Genome position (GRCh38, 1-based): chr3:181,712,558, G duplicated. VCF-style (leftmost placement, unchanged base first): chr3-181712557-T-TG. GRCh37 (hg19) VCF-style: chr3-181430345-T-TG.
Other names: c.198dupG (NM_003106.3); short protein forms H67fs.
Identifiers: ClinVar variation 450122 (VCV000450122.2), dbSNP rs1553862966, ClinGen allele CA658657351.
Genomic context (GRCh38, chr3:181,712,557, plus strand): 5'-ATGCCTTCATGGTGTGGTCCCGCGGGCAGCGGCGCAAGATGGCCCAGGAGAACCCCAAGA[T>TG]GCACAACTCGGAGATCAGCAAGCGCCTGGGCGCCGAGTGGAAACTTTTGTCGGAGACGGA-3'